The following is an entry in ClinVar:

ClinVar aggregate classification (germline): Conflicting classifications of pathogenicity. Review status: criteria provided, conflicting classifications (1 of 4 stars). 4 submissions from 4 submitters: Uncertain significance (1); Likely benign (2). 1 of the submissions does not count toward it. Last evaluated 2025-05-21.

Conditions:
S1PR2-related disorder. Also called: S1PR2-related condition.

Allele frequency attached by ClinVar (database versions not stated): 1000 Genomes Project 30x 0.00047.
gnomAD v4.1: 193 of 1,609,182 alleles (0.012%); highest among the groups gnomAD compares: East Asian, 0.36%; no homozygotes.

Submissions (4):

Labcorp Genetics (formerly Invitae), Labcorp
Classification: Likely benign. Last evaluated: 2025-05-21. Review status: criteria provided, single submitter. Criteria: Invitae Variant Classification Sherloc (09022015). Collection method: clinical testing. Allele origin: germline.

Blueprint Genetics
Classification: Uncertain significance. Last evaluated: 2024-08-08. Review status: criteria provided, single submitter. Criteria: ACMG Guidelines, 2015. Collection method: clinical testing. Allele origin: germline.

GeneDx
Classification: Likely benign. Last evaluated: 2020-02-06. Review status: criteria provided, single submitter. Criteria: GeneDx Variant Classification Process June 2021. Collection method: clinical testing. Allele origin: germline. Affected: yes.

PreventionGenetics, part of Exact Sciences
Classification: Likely benign for S1PR2-related condition. Last evaluated: 2022-10-05. Review status: no assertion criteria provided. Collection method: clinical testing. Allele origin: germline. Not counted in ClinVar's aggregate classification.
Comment: This variant is classified as likely benign based on ACMG/AMP sequence variant interpretation guidelines (Richards et al. 2015 PMID: 25741868, with internal and published modifications).

NM_004230.4(S1PR2):c.919A>T (p.Arg307Trp)

Gene: S1PR2 (sphingosine-1-phosphate receptor 2; minus strand). Cytogenetic location: 19p13.2.
Variant type: single nucleotide variant.
Coding change: c.919A>T on transcript NM_004230.4 (MANE Select); coding-DNA position 919, A replaced by T.
Protein change: p.Arg307Trp; replaces arginine 307 with tryptophan.
Molecular consequence: missense variant.
Genome position (GRCh38, 1-based): chr19:10,223,987, T>A on the plus strand (A>T on the coding strand, the complement: S1PR2 is on the minus strand). VCF-style: chr19-10223987-T-A. GRCh37 (hg19) VCF-style: chr19-10334663-T-A.
Other names: short protein forms R307W.
Identifiers: ClinVar variation 1210475 (VCV001210475.9), dbSNP rs2116942, ClinGen allele CA9188984.
Genomic context (GRCh38, chr19:10,223,987, plus strand): 5'-GCAGGAGGTGGTGGCCCGGGGTCCCGCCCCGCCTCCGTCCTTGCACCCCCACCCCCGGCC[T>A]CCAGCACTGCAGCGGCCGAAGCACCTCCCGCCGCAGGTCCCGGCTGCGCCACGTGTAGAT-3'
Protein context (NP_004221.3, residues 297-317): REVLRPLQCW[Arg307Trp]PGVGVQGRRR